The following is an entry in ClinVar:

ClinVar aggregate classification (germline): Uncertain significance (1 of 4 stars; one submission).

Conditions:
Inborn genetic diseases. Identifiers: MedGen C0950123, MeSH D030342.

Submission:

Ambry Genetics
Classification: Uncertain significance for Inborn genetic diseases. Last evaluated: 2022-01-11. Review status: criteria provided, single submitter. Criteria: Ambry Variant Classification Scheme 2023. Collection method: clinical testing. Allele origin: germline.
Comment: The p.D1838N variant (also known as c.5512G>A), located in coding exon 38 of the LRRK2 gene, results from a G to A substitution at nucleotide position 5512. The aspartic acid at codon 1838 is replaced by asparagine, an amino acid with highly similar properties. This amino acid position is conserved. In addition, this alteration is predicted to be tolerated by in silico analysis. Since supporting evidence is limited at this time, the clinical significance of this alteration remains unclear.

NM_198578.4(LRRK2):c.5512G>A (p.Asp1838Asn)

Gene: LRRK2 (leucine rich repeat kinase 2; plus strand). Cytogenetic location: 12q12.
Variant type: single nucleotide variant.
Coding change: c.5512G>A on transcript NM_198578.4 (MANE Select); coding-DNA position 5512, G replaced by A.
Protein change: p.Asp1838Asn; replaces aspartic acid 1838 with asparagine.
Molecular consequence: missense variant.
Genome position (GRCh38, 1-based): chr12:40,323,162, G>A. VCF-style: chr12-40323162-G-A. GRCh37 (hg19) VCF-style: chr12-40716964-G-A.
Other names: short protein forms D1838N.
Identifiers: ClinVar variation 1748047 (VCV001748047.2), dbSNP rs2499888623, ClinGen allele CA384420949.